The following is an entry in ClinVar:

NM_015346.4(ZFYVE26):c.2712del (p.Ser904fs)

Gene: ZFYVE26 (zinc finger FYVE-type containing 26; minus strand). Cytogenetic location: 14q24.1.
Variant type: Deletion.
Coding change: c.2712del on transcript NM_015346.4 (MANE Select); coding-DNA position 2712, one base deleted (T; older notation c.2712delT).
Protein change: p.Ser904fs; shifts the reading frame from serine 904.
Molecular consequence: frameshift variant.
Genome position (GRCh38, 1-based): chr14:67,790,615, A deleted on the plus strand (T on the coding strand, the reverse complement: ZFYVE26 is on the minus strand). VCF-style (leftmost placement, unchanged base first): chr14-67790614-CA-C. GRCh37 (hg19) VCF-style: chr14-68257331-CA-C.
Other names: short protein forms S904fs.
Identifiers: ClinVar variation 2695873 (VCV002695873.3), dbSNP rs2502832185, ClinGen allele CA2697554022.

ClinVar aggregate classification (germline): Pathogenic (1 of 4 stars; one submission).

Conditions:
Spastic paraplegia. Identifiers: MedGen C0037772, HP:0001258.

Submission:

Labcorp Genetics (formerly Invitae), Labcorp
Classification: Pathogenic for Spastic paraplegia. Last evaluated: 2023-11-14. Review status: criteria provided, single submitter. Criteria: Invitae Variant Classification Sherloc (09022015). Collection method: clinical testing. Allele origin: germline.
Comment: This sequence change creates a premature translational stop signal (p.Ser904Argfs*25) in the ZFYVE26 gene. It is expected to result in an absent or disrupted protein product. Loss-of-function variants in ZFYVE26 are known to be pathogenic (PMID: 18394578, 19805727). This variant is not present in population databases (gnomAD no frequency). This variant has not been reported in the literature in individuals affected with ZFYVE26-related conditions. For these reasons, this variant has been classified as Pathogenic.

Literature cited by the submitters: PubMed 18394578; PubMed 19805727.